The following is an entry in ClinVar:

NM_004654.4(USP9Y):c.4030A>C (p.Arg1344=)

Gene: USP9Y (ubiquitin specific peptidase 9 Y-linked; plus strand). Cytogenetic location: Yq11.221.
Variant type: single nucleotide variant.
Coding change: c.4030A>C on transcript NM_004654.4 (MANE Select); coding-DNA position 4030, A replaced by C.
Protein change: p.Arg1344=; no amino-acid change (arginine 1344 retained).
Molecular consequence: synonymous variant.
Genome position (GRCh38, 1-based): chrY:12,810,225, A>C. VCF-style: chrY-12810225-A-C. GRCh37 (hg19) VCF-style: chrY-14922160-A-C.
Identifiers: ClinVar variation 2661887 (VCV002661887.24), dbSNP rs2521709967, ClinGen allele CA519888456.

ClinVar aggregate classification (germline): Likely benign (1 of 4 stars; one submission).

Submission:

CeGaT Center for Human Genetics Tuebingen
Classification: Likely benign. Last evaluated: 2022-11-01. Review status: criteria provided, single submitter. Criteria: CeGaT Center For Human Genetics Tuebingen Variant Classification Criteria Version 2. Collection method: clinical testing. Allele origin: germline. Affected: yes. Observed: 1 variant allele.
Comment: USP9Y: PM2:Supporting, BP4, BP7